The following is an entry in ClinVar:

NM_001040142.2(SCN2A):c.802C>T (p.Gln268Ter)

Gene: SCN2A (sodium voltage-gated channel alpha subunit 2; plus strand). Cytogenetic location: 2q24.3.
Variant type: single nucleotide variant.
Coding change: c.802C>T on transcript NM_001040142.2 (MANE Select); coding-DNA position 802, C replaced by T.
Protein change: p.Gln268Ter; replaces glutamine 268 with a stop codon.
Molecular consequence: nonsense.
Genome position (GRCh38, 1-based): chr2:165,310,427, C>T. VCF-style: chr2-165310427-C-T. GRCh37 (hg19) VCF-style: chr2-166166937-C-T.
Other names: c.802C>T, p.Gln268Ter (NM_001040143.2, NM_001371246.1, NM_001371247.1 and 1 more transcripts); short protein forms Q268*.
Identifiers: ClinVar variation 985424 (VCV000985424.4), dbSNP rs1553567936, ClinGen allele CA349018146.

ClinVar aggregate classification (germline): Pathogenic. Review status: criteria provided, multiple submitters, no conflicts (2 of 4 stars). 2 submissions from 2 submitters: Pathogenic (2). Last evaluated 2023-01-12.

Conditions:
Inborn genetic diseases. Identifiers: MedGen C0950123, MeSH D030342.
Developmental and epileptic encephalopathy, 11 (DEE11). Also called: Early infantile epileptic encephalopathy 11. Identifiers: Orphanet 1934, MedGen C3150987, MONDO:0013388, OMIM 613721.

Submissions (2):

Institute of Human Genetics, University of Leipzig Medical Center
Classification: Pathogenic for Developmental and epileptic encephalopathy, 11. Last evaluated: 2023-01-12. Review status: criteria provided, single submitter. Criteria: ACMG Guidelines, 2015. Collection method: clinical testing. Allele origin: unknown. Affected: yes.
Comment: _x000D_ Criteria applied: PVS1, PS4_SUP, PM2_SUP

Ambry Genetics
Classification: Pathogenic for Inborn genetic diseases. Last evaluated: 2019-08-13. Review status: criteria provided, single submitter. Criteria: Ambry exome assertion method (8-5-2015). Collection method: clinical testing. Allele origin: germline. Affected: yes. Observed: 1 variant allele.